The following is an entry in ClinVar:

NM_006767.4(LZTR1):c.1028C>A (p.Ala343Asp)

Gene: LZTR1 (leucine zipper like post translational regulator 1; plus strand). Cytogenetic location: 22q11.21.
Variant type: single nucleotide variant.
Coding change: c.1028C>A on transcript NM_006767.4 (MANE Select); coding-DNA position 1028, C replaced by A.
Protein change: p.Ala343Asp; replaces alanine 343 with aspartic acid.
Molecular consequence: missense variant.
Genome position (GRCh38, 1-based): chr22:20,992,248, C>A. VCF-style: chr22-20992248-C-A. GRCh37 (hg19) VCF-style: chr22-21346537-C-A.
Other names: short protein forms A343D.
Identifiers: ClinVar variation 3238005 (VCV003238005.1), dbSNP rs2518617964.

ClinVar aggregate classification (germline): Uncertain significance (1 of 4 stars; one submission).

Conditions:
Hereditary cancer-predisposing syndrome. Also called: Neoplastic Syndromes, Hereditary; Tumor predisposition; Hereditary neoplastic syndrome; Hereditary Cancer Syndrome. Identifiers: Orphanet 140162, MedGen C0027672, MeSH D009386, MONDO:0015356.
Cardiovascular phenotype. Identifiers: MedGen CN230736.

Allele frequency attached by ClinVar (database versions not stated): gnomAD exomes below 0.00001.

Submission:

Ambry Genetics
Classification: Uncertain significance for Cardiovascular phenotype; Hereditary cancer-predisposing syndrome. Last evaluated: 2023-05-26. Review status: criteria provided, single submitter. Criteria: Ambry Variant Classification Scheme 2023. Collection method: clinical testing. Allele origin: germline.
Comment: The p.A343D variant (also known as c.1028C>A), located in coding exon 10 of the LZTR1 gene, results from a C to A substitution at nucleotide position 1028. The alanine at codon 343 is replaced by aspartic acid, an amino acid with dissimilar properties. This amino acid position is conserved. In addition, this alteration is predicted to be tolerated by in silico analysis. Since supporting evidence is limited at this time, the clinical significance of this alteration remains unclear.